The following is an entry in ClinVar:

NM_001184.4(ATR):c.2037G>C (p.Leu679Phe)

Gene: ATR (ATR checkpoint kinase; minus strand). Cytogenetic location: 3q23.
Variant type: single nucleotide variant.
Coding change: c.2037G>C on transcript NM_001184.4 (MANE Select); coding-DNA position 2037, G replaced by C.
Protein change: p.Leu679Phe; replaces leucine 679 with phenylalanine.
Molecular consequence: missense variant.
Genome position (GRCh38, 1-based): chr3:142,556,424, C>G on the plus strand (G>C on the coding strand, the complement: ATR is on the minus strand). VCF-style: chr3-142556424-C-G. GRCh37 (hg19) VCF-style: chr3-142275266-C-G.
Other names: c.1845G>C, p.Leu615Phe (NM_001354579.2); short protein forms L679F, L615F.
Identifiers: ClinVar variation 2126908 (VCV002126908.4), dbSNP rs1161256882, ClinGen allele CA354819155.

ClinVar aggregate classification (germline): Uncertain significance (1 of 4 stars; one submission).

Allele frequency attached by ClinVar (database versions not stated): gnomAD exomes below 0.00001.
gnomAD v4.1: 1 of 1,614,044 alleles (0.000062%); highest among the groups gnomAD compares: East Asian, 0.0022%; no homozygotes.

Submission:

Labcorp Genetics (formerly Invitae), Labcorp
Classification: Uncertain significance. Last evaluated: 2025-04-21. Review status: criteria provided, single submitter. Criteria: Invitae Variant Classification Sherloc (09022015). Collection method: clinical testing. Allele origin: germline.
Comment: This sequence change replaces leucine, which is neutral and non-polar, with phenylalanine, which is neutral and non-polar, at codon 679 of the ATR protein (p.Leu679Phe). This variant is present in population databases (no rsID available, gnomAD 0.006%). This variant has not been reported in the literature in individuals affected with ATR-related conditions. ClinVar contains an entry for this variant (Variation ID: 2126908). An algorithm developed to predict the effect of missense changes on protein structure and function outputs the following: PolyPhen-2: "Benign". The phenylalanine amino acid residue is found in multiple mammalian species, which suggests that this missense change does not adversely affect protein function. In summary, the available evidence is currently insufficient to determine the role of this variant in disease. Therefore, it has been classified as a Variant of Uncertain Significance.